The following is an entry in ClinVar:

NM_030665.4(RAI1):c.2024A>G (p.Lys675Arg)

Gene: RAI1 (retinoic acid induced 1; plus strand). Cytogenetic location: 17p11.2.
Variant type: single nucleotide variant.
Coding change: c.2024A>G on transcript NM_030665.4 (MANE Select); coding-DNA position 2024, A replaced by G.
Protein change: p.Lys675Arg; replaces lysine 675 with arginine.
Molecular consequence: missense variant.
Genome position (GRCh38, 1-based): chr17:17,794,972, A>G. VCF-style: chr17-17794972-A-G. GRCh37 (hg19) VCF-style: chr17-17698286-A-G.
Other names: c.2024A>G (NM_030665.3); short protein forms K675R.
Identifiers: ClinVar variation 1672647 (VCV001672647.9), dbSNP rs766278958, ClinGen allele CA8418445.

ClinVar aggregate classification (germline): Conflicting classifications of pathogenicity. Review status: criteria provided, conflicting classifications (1 of 4 stars). 2 submissions from 2 submitters: Uncertain significance (1); Likely benign (1). Last evaluated 2025-02-10.

Conditions:
RAI1-related disorder. Also called: RAI1-related condition.

Allele frequency attached by ClinVar (database versions not stated): ExAC 0.00001; gnomAD 0.00001; gnomAD exomes 0.00001; TOPMed 0.00001.
gnomAD v4.1: 5 of 1,613,770 alleles (0.00031%); highest among the groups gnomAD compares: Admixed American, 0.005%; no homozygotes.

Submissions (2):

Labcorp Genetics (formerly Invitae), Labcorp
Classification: Likely benign. Last evaluated: 2025-02-10. Review status: criteria provided, single submitter. Criteria: Invitae Variant Classification Sherloc (09022015). Collection method: clinical testing. Allele origin: germline.

PreventionGenetics, part of Exact Sciences
Classification: Uncertain significance for RAI1-related condition. Last evaluated: 2024-11-13. Review status: criteria provided, single submitter. Criteria: ACMG Guidelines, 2015. Collection method: clinical testing. Allele origin: germline.
Comment: The RAI1 c.2024A>G variant is predicted to result in the amino acid substitution p.Lys675Arg. To our knowledge, this variant has not been reported in the literature. This variant is reported in 0.0085% of alleles in individuals of Latino descent in gnomAD. At this time, the clinical significance of this variant is uncertain due to the absence of conclusive functional and genetic evidence.